The following is an entry in ClinVar:

ClinVar aggregate classification (germline): Uncertain significance (1 of 4 stars; one submission).

Conditions:
Hereditary cancer-predisposing syndrome. Also called: Hereditary Cancer Syndrome; Tumor predisposition; Hereditary neoplastic syndrome; Neoplastic Syndromes, Hereditary. Identifiers: Orphanet 140162, MedGen C0027672, MeSH D009386, MONDO:0015356.

Submission:

Ambry Genetics
Classification: Uncertain significance for Hereditary cancer-predisposing syndrome. Last evaluated: 2024-07-23. Review status: criteria provided, single submitter. Criteria: Ambry Variant Classification Scheme 2023. Collection method: clinical testing. Allele origin: germline.
Comment: The p.A138S variant (also known as c.412G>T), located in coding exon 1 of the MEN1 gene, results from a G to T substitution at nucleotide position 412. The alanine at codon 138 is replaced by serine, an amino acid with similar properties. This amino acid position is conserved. In addition, this alteration is predicted to be deleterious by in silico analysis. Based on the available evidence, the clinical significance of this variant remains unclear.

NM_001370259.2(MEN1):c.412G>T (p.Ala138Ser)

Gene: MEN1 (menin 1; minus strand). Cytogenetic location: 11q13.1.
Variant type: single nucleotide variant.
Coding change: c.412G>T on transcript NM_001370259.2 (MANE Select); coding-DNA position 412, G replaced by T.
Protein change: p.Ala138Ser; replaces alanine 138 with serine.
Molecular consequence: missense variant. On other transcripts: non-coding transcript variant (4).
Genome position (GRCh38, 1-based): chr11:64,809,698, C>A on the plus strand (G>T on the coding strand, the complement: MEN1 is on the minus strand). VCF-style: chr11-64809698-C-A. GRCh37 (hg19) VCF-style: chr11-64577170-C-A.
Other names: c.412G>T, p.Ala138Ser (NM_000244.4, NM_001370251.2, NM_001370260.2 and 20 more transcripts); short protein forms A138S.
Identifiers: ClinVar variation 3394948 (VCV003394948.1).